The following is an entry in ClinVar:

NM_006579.3(EBP):c.347A>G (p.Asn116Ser)

Gene: EBP (EBP cholestenol delta-isomerase; plus strand). Cytogenetic location: Xp11.23.
Variant type: single nucleotide variant.
Coding change: c.347A>G on transcript NM_006579.3 (MANE Select); coding-DNA position 347, A replaced by G.
Protein change: p.Asn116Ser; replaces asparagine 116 with serine.
Molecular consequence: missense variant.
Genome position (GRCh38, 1-based): chrX:48,527,163, A>G. VCF-style: chrX-48527163-A-G. GRCh37 (hg19) VCF-style: chrX-48385551-A-G.
Other names: short protein forms N116S.
Identifiers: ClinVar variation 3598330 (VCV003598330.3).

ClinVar aggregate classification (germline): Uncertain significance. Review status: criteria provided, multiple submitters, no conflicts (2 of 4 stars). 2 submissions from 2 submitters: Uncertain significance (2). Last evaluated 2024-09-08.

Conditions:
MEND syndrome (MEND). Also called: MALE EBP DISORDER WITH NEUROLOGIC DEFECTS. Identifiers: Orphanet 401973, MedGen C4085243, MONDO:0010498, OMIM 300960.
Chondrodysplasia punctata 2 X-linked dominant (CDPX2). Also called: CONRADI-HUNERMANN-HAPPLE SYNDROME; HAPPLE SYNDROME; EBP-Related X-Linked Chondrodysplasia Punctata; Hunermann-Conradi Syndrome. Identifiers: Orphanet 35173, MedGen C0282102, MONDO:0020603, OMIM 302960.

gnomAD v4.1: 2 of 1,211,710 alleles (0.00017%); highest among the groups gnomAD compares: Admixed American, 0.0022%; no homozygotes.

Submissions (2):

Labcorp Genetics (formerly Invitae), Labcorp
Classification: Uncertain significance. Last evaluated: 2024-09-08. Review status: criteria provided, single submitter. Criteria: Invitae Variant Classification Sherloc (09022015). Collection method: clinical testing. Allele origin: germline.
Comment: This sequence change replaces asparagine, which is neutral and polar, with serine, which is neutral and polar, at codon 116 of the EBP protein (p.Asn116Ser). This variant is present in population databases (no rsID available, gnomAD 0.004%). This variant has not been reported in the literature in individuals affected with EBP-related conditions. An algorithm developed to predict the effect of missense changes on protein structure and function outputs the following: PolyPhen-2: "Benign". The serine amino acid residue is found in multiple mammalian species, which suggests that this missense change does not adversely affect protein function. In summary, the available evidence is currently insufficient to determine the role of this variant in disease. Therefore, it has been classified as a Variant of Uncertain Significance.

Fulgent Genetics
Classification: Uncertain significance for MEND syndrome; Chondrodysplasia punctata 2 X-linked dominant. Last evaluated: 2024-01-02. Review status: criteria provided, single submitter. Criteria: ACMG Guidelines, 2015. Collection method: clinical testing. Allele origin: germline.